The following is an entry in ClinVar:

NM_001080.3(ALDH5A1):c.765dup (p.Val256fs)

Gene: ALDH5A1 (aldehyde dehydrogenase 5 family member A1; plus strand). Cytogenetic location: 6p22.3.
Variant type: Duplication.
Coding change: c.765dup on transcript NM_001080.3 (MANE Select); coding-DNA position 765, one base duplicated (T; older notation c.765dupT).
Protein change: p.Val256fs; shifts the reading frame from valine 256.
Molecular consequence: frameshift variant. On other transcripts: intron variant (1).
Genome position (GRCh38, 1-based): chr6:24,515,205, T duplicated. VCF-style (leftmost placement, unchanged base first): chr6-24515204-A-AT. GRCh37 (hg19) VCF-style: chr6-24515432-A-AT.
Other names: c.804dup, p.Val269fs (NM_170740.1); c.727-5196dup (NM_001368954.1); short protein forms V256fs, V269fs.
Identifiers: ClinVar variation 1935295 (VCV001935295.6), dbSNP rs2532855022, ClinGen allele CA2580074242.

ClinVar aggregate classification (germline): Pathogenic/Likely pathogenic. Review status: criteria provided, multiple submitters, no conflicts (2 of 4 stars). 2 submissions from 2 submitters: Pathogenic (1); Likely pathogenic (1). Last evaluated 2022-08-09.

Conditions:
ALDH5A1-related disorder. Also called: ALDH5A1-related condition.
Succinate-semialdehyde dehydrogenase deficiency (SSADHD). Also called: 4-HYDROXYBUTYRIC ACIDURIA; GABA METABOLIC DEFECT; SSADH DEFICIENCY; Succinic Semialdehyde Dehydrogenase Deficiency. Identifiers: Orphanet 22, MedGen C0268631, MONDO:0010083, OMIM 271980.

Submissions (2):

Labcorp Genetics (formerly Invitae), Labcorp
Classification: Pathogenic for Succinate-semialdehyde dehydrogenase deficiency. Last evaluated: 2022-08-09. Review status: criteria provided, single submitter. Criteria: Invitae Variant Classification Sherloc (09022015). Collection method: clinical testing. Allele origin: germline.
Comment: This variant has not been reported in the literature in individuals affected with ALDH5A1-related conditions. For these reasons, this variant has been classified as Pathogenic. This variant is not present in population databases (gnomAD no frequency). This sequence change creates a premature translational stop signal (p.Val256Cysfs*19) in the ALDH5A1 gene. It is expected to result in an absent or disrupted protein product. Loss-of-function variants in ALDH5A1 are known to be pathogenic (PMID: 14635103).

Blueprint Genetics
Classification: Likely pathogenic for ALDH5A1-related disorders. Last evaluated: 2021-11-24. Review status: criteria provided, single submitter. Criteria: ACMG Guidelines, 2015. Collection method: clinical testing. Allele origin: germline. Affected: yes. Observed: 3 variant alleles.

Literature cited by the submitters: PubMed 14635103 (cited by Labcorp Genetics (formerly Invitae), Labcorp).